The following is an entry in ClinVar:

NM_000263.4(NAGLU):c.1853T>C (p.Leu618Pro)

Gene: NAGLU (N-acetyl-alpha-glucosaminidase; plus strand). Cytogenetic location: 17q21.2.
Variant type: single nucleotide variant.
Coding change: c.1853T>C on transcript NM_000263.4 (MANE Select); coding-DNA position 1853, T replaced by C.
Protein change: p.Leu618Pro; replaces leucine 618 with proline.
Molecular consequence: missense variant.
Genome position (GRCh38, 1-based): chr17:42,543,859, T>C. VCF-style: chr17-42543859-T-C. GRCh37 (hg19) VCF-style: chr17-40695877-T-C.
Other names: short protein forms L618P.
Identifiers: ClinVar variation 1444811 (VCV001444811.11), dbSNP rs2143114107, ClinGen allele CA399605145.
Genomic context (GRCh38, chr17:42,543,859, plus strand): 5'-TGGCCTATGAGCTGCTGCCGGCACTGGACGAGGTGCTGGCTAGTGACAGCCGCTTCTTGC[T>C]GGGCAGCTGGCTAGAGCAGGCCCGAGCAGCGGCAGTCAGTGAGGCCGAGGCCGATTTCTA-3'
Protein context (NP_000254.2, residues 608-628): EVLASDSRFL[Leu618Pro]GSWLEQARAA

ClinVar aggregate classification (germline): Uncertain significance. Review status: criteria provided, multiple submitters, no conflicts (2 of 4 stars). 3 submissions from 3 submitters: Uncertain significance (3). Last evaluated 2025-05-20.

Conditions:
Mucopolysaccharidosis, MPS-III-B (MPS3B). Also called: N-ACETYL-ALPHA-D-GLUCOSAMINIDASE DEFICIENCY; NAGLU DEFICIENCY; SANFILIPPO SYNDROME B; MPS III B; MPS IIIB (Sanfilippo Syndrome Type B); MUCOPOLYSACCHARIDOSIS, TYPE IIIB. Identifiers: Orphanet 79270, MedGen C0086648, MONDO:0009656, OMIM 252920.
Charcot-Marie-Tooth disease axonal type 2V. Also called: CHARCOT-MARIE-TOOTH NEUROPATHY, TYPE 2V; CHARCOT-MARIE-TOOTH DISEASE, AXONAL, AUTOSOMAL DOMINANT, TYPE 2V. Identifiers: Orphanet 447964, MedGen C5569050, MONDO:0014665, OMIM 616491.

Allele frequency attached by ClinVar (database versions not stated): gnomAD exomes below 0.00001.
gnomAD v4.1: 1 of 1,602,336 alleles (0.000062%); highest among the groups gnomAD compares: Non-Finnish European, 0.000085%; no homozygotes.

Submissions (3):

3billion
Classification: Uncertain significance for Mucopolysaccharidosis, MPS-III-B. Last evaluated: 2025-05-20. Review status: criteria provided, single submitter. Criteria: ACMG Guidelines, 2015. Collection method: clinical testing. Allele origin: germline. Affected: yes.
Comment: The variant is observed at an extremely low frequency in the gnomAD v4.1.0 dataset (total allele frequency: <0.001%). Predicted Consequence/Location: Missense variant In silico tool predictions suggest damaging effect of the variant on gene or gene product [REVEL: 0.98 (>=0.6, sensitivity 0.68 and specificity 0.92); 3Cnet: 0.99 (> 0.75, sensitivity 0.96 and precision 0.92)]. The same nucleotide change resulting in the same amino acid change has been previously reported to be associated with NAGLU-related disorder (PMID: 36964972). However, the evidence of pathogenicity is insufficient at this time. Therefore, this variant is classified as VUS according to the recommendation of ACMG/AMP guideline.

Women's Health and Genetics/Laboratory Corporation of America, LabCorp
Classification: Uncertain significance. Last evaluated: 2024-03-15. Review status: criteria provided, single submitter. Criteria: LabCorp Variant Classification Summary - May 2015. Collection method: clinical testing. Allele origin: germline.
Comment: Variant summary: NAGLU c.1853T>C (p.Leu618Pro) results in a non-conservative amino acid change located in the Alpha-N-acetylglucosaminidase, C-terminal (IPR024732) of the encoded protein sequence. Five of five in-silico tools predict a damaging effect of the variant on protein function. The frequency data for this variant in gnomAD is considered unreliable, as metrics indicate poor data quality at this position. c.1853T>C has been reported in the literature in individuals affected with Mucopolysaccharidosis Type IIIB (Sanfilippo Syndrome B) (Gorukmez_2023). These data indicate that the variant may be associated with disease. To our knowledge, no experimental evidence demonstrating an impact on protein function has been reported. The following publication have been ascertained in the context of this evaluation (PMID: 36964972). ClinVar contains an entry for this variant (Variation ID: 1444811). Based on the evidence outlined above, the variant was classified as VUS-possibly pathogenic.

Labcorp Genetics (formerly Invitae), Labcorp
Classification: Uncertain significance for Charcot-Marie-Tooth disease axonal type 2V; Mucopolysaccharidosis, MPS-III-B. Last evaluated: 2024-01-18. Review status: criteria provided, single submitter. Criteria: Invitae Variant Classification Sherloc (09022015). Collection method: clinical testing. Allele origin: germline.
Comment: This sequence change replaces leucine, which is neutral and non-polar, with proline, which is neutral and non-polar, at codon 618 of the NAGLU protein (p.Leu618Pro). This variant is not present in population databases (gnomAD no frequency). This variant has not been reported in the literature in individuals affected with NAGLU-related conditions. ClinVar contains an entry for this variant (Variation ID: 1444811). Advanced modeling of protein sequence and biophysical properties (such as structural, functional, and spatial information, amino acid conservation, physicochemical variation, residue mobility, and thermodynamic stability) performed at Invitae indicates that this missense variant is expected to disrupt NAGLU protein function with a positive predictive value of 95%. In summary, the available evidence is currently insufficient to determine the role of this variant in disease. Therefore, it has been classified as a Variant of Uncertain Significance.

Literature cited by the submitters: PubMed 36964972 (cited by 3billion and Women's Health and Genetics/Laboratory Corporation of America, LabCorp).